The following is an entry in ClinVar:

NM_005612.5(REST):c.2407C>T (p.Pro803Ser)

Gene: REST (RE1 silencing transcription factor; plus strand). Cytogenetic location: 4q12.
Variant type: single nucleotide variant.
Coding change: c.2407C>T on transcript NM_005612.5 (MANE Select); coding-DNA position 2407, C replaced by T.
Protein change: p.Pro803Ser; replaces proline 803 with serine.
Molecular consequence: missense variant.
Genome position (GRCh38, 1-based): chr4:56,931,265, C>T. VCF-style: chr4-56931265-C-T. GRCh37 (hg19) VCF-style: chr4-57797431-C-T.
Other names: c.2407C>T, p.Pro803Ser (NM_001193508.2, NM_001363453.3); c.2323C>T, p.Pro775Ser (NM_001440532.1, NM_001440533.1); short protein forms P803S, P775S.
Identifiers: ClinVar variation 4983628 (VCV004983628.1).
Genomic context (GRCh38, chr4:56,931,265, plus strand): 5'-CCTCCCATGGGGGTGGTTCAGAAGGAGCCTGCTCAGAGGGAGCCACCTCCTCCCAGAGAG[C>T]CTCCCCTTCACATGGAGCCAATTTCCAAAAAGCCTCCTCTCCGAAAAGATAAAAAGGAAA-3'
Protein context (NP_005603.3, residues 793-813): AQREPPPPRE[Pro803Ser]PLHMEPISKK

ClinVar aggregate classification (germline): Uncertain significance (1 of 4 stars; one submission).

Conditions:
REST-related disorder. Also called: REST-related condition.

gnomAD v4.1: 6 of 1,614,114 alleles (0.00037%); highest among the groups gnomAD compares: African/African-American, 0.0067%; no homozygotes.

Submission:

PreventionGenetics, part of Exact Sciences
Classification: Uncertain significance for REST-related condition. Last evaluated: 2026-02-09. Review status: criteria provided, single submitter. Criteria: ACMG Guidelines, 2015. Collection method: clinical testing. Allele origin: germline.
Comment: The REST c.2407C>T variant is predicted to result in the amino acid substitution p.Pro803Ser. To our knowledge, this variant has not been reported in the literature. This variant is reported in 0.0062% of alleles in individuals of African descent in gnomAD. At this time, the clinical significance of this variant is uncertain due to the absence of conclusive functional and genetic evidence.